The following is an entry in ClinVar:

NM_001382567.1(STIM1):c.196G>A (p.Glu66Lys)

Gene: STIM1 (stromal interaction molecule 1; plus strand). Cytogenetic location: 11p15.4.
Variant type: single nucleotide variant.
Coding change: c.196G>A on transcript NM_001382567.1 (MANE Select); coding-DNA position 196, G replaced by A.
Protein change: p.Glu66Lys; replaces glutamic acid 66 with lysine.
Molecular consequence: missense variant. On other transcripts: 5 prime UTR variant (8), non-coding transcript variant (3), intron variant (4).
Genome position (GRCh38, 1-based): chr11:3,967,608, G>A. VCF-style: chr11-3967608-G-A. GRCh37 (hg19) VCF-style: chr11-3988838-G-A.
Other names: c.196G>A, p.Glu66Lys (NM_001277961.3, NM_001277962.2, NM_001382568.1 and 3 more transcripts); c.-27G>A (NM_001382566.1, NM_001382573.1, NM_001382574.1 and 5 more transcripts); c.-219-56265G>A (NM_001382580.1, NM_001382581.1); c.136-56265G>A (NM_001382569.1); c.-98-56265G>A (NM_001382571.1); short protein forms E66K.
Identifiers: ClinVar variation 666040 (VCV000666040.11), dbSNP rs199799231, ClinGen allele CA5830154.
Genomic context (GRCh38, chr11:3,967,608, plus strand): 5'-ACAGAGTTTTGCCGAATTGACAAGCCCCTGTGTCACAGTGAGGATGAGAAACTCAGCTTC[G>A]AGGCAGTCCGTAACATCCACAAACTGATGGACGATGATGCCAATGGTGATGTGGATGTGG-3'
Protein context (NP_001369496.1, residues 56-76): CHSEDEKLSF[Glu66Lys]AVRNIHKLMD

ClinVar aggregate classification (germline): Uncertain significance. Review status: criteria provided, multiple submitters, no conflicts (2 of 4 stars). 2 submissions from 2 submitters: Uncertain significance (2). Last evaluated 2024-10-22.

Conditions:
Myopathy with tubular aggregates (TAM). Also called: Tubular Aggregate Myopathy. Identifiers: Orphanet 2593, MedGen C0410207, MONDO:0008051.
Stormorken syndrome (STRMK). Also called: THROMBOCYTOPATHY, ASPLENIA, AND MIOSIS. Identifiers: Orphanet 3204, MedGen C1861451, MONDO:0008497, OMIM 185070.
Combined immunodeficiency due to STIM1 deficiency. Also called: STIM1 DEFICIENCY; IMMUNODEFICIENCY 10. Identifiers: Orphanet 169090, Orphanet 317430, MedGen C2748557, MONDO:0013008, OMIM 612783.

Allele frequency attached by ClinVar (database versions not stated): gnomAD 0.00001; ExAC 0.00002; gnomAD exomes 0.00002; TOPMed 0.00002.
gnomAD v4.1: 37 of 1,614,070 alleles (0.0023%); highest among the groups gnomAD compares: Non-Finnish European, 0.003%; no homozygotes.

Submissions (2):

Labcorp Genetics (formerly Invitae), Labcorp
Classification: Uncertain significance for Myopathy with tubular aggregates; Combined immunodeficiency due to STIM1 deficiency; Stormorken syndrome. Last evaluated: 2024-10-22. Review status: criteria provided, single submitter. Criteria: Invitae Variant Classification Sherloc (09022015). Collection method: clinical testing. Allele origin: germline.
Comment: This sequence change replaces glutamic acid, which is acidic and polar, with lysine, which is basic and polar, at codon 66 of the STIM1 protein (p.Glu66Lys). This variant is present in population databases (rs199799231, gnomAD 0.004%). This variant has not been reported in the literature in individuals affected with STIM1-related conditions. ClinVar contains an entry for this variant (Variation ID: 666040). Invitae Evidence Modeling of protein sequence and biophysical properties (such as structural, functional, and spatial information, amino acid conservation, physicochemical variation, residue mobility, and thermodynamic stability) has been performed for this missense variant. However, the output from this modeling did not meet the statistical confidence thresholds required to predict the impact of this variant on STIM1 protein function. In summary, the available evidence is currently insufficient to determine the role of this variant in disease. Therefore, it has been classified as a Variant of Uncertain Significance.

Blueprint Genetics
Classification: Uncertain significance. Last evaluated: 2024-04-12. Review status: criteria provided, single submitter. Criteria: ACMG Guidelines, 2015. Collection method: clinical testing. Allele origin: germline.